The following is an entry in ClinVar:

ClinVar aggregate classification (germline): Uncertain significance. Review status: criteria provided, multiple submitters, no conflicts (2 of 4 stars). 3 submissions from 3 submitters: Uncertain significance (3). Last evaluated 2025-04-10.

Allele frequency attached by ClinVar (database versions not stated): gnomAD 0.00004.
gnomAD v4.1: 33 of 1,613,772 alleles (0.002%); highest among the groups gnomAD compares: Middle Eastern, 0.033%; no homozygotes.

Submissions (3):

GeneDx
Classification: Uncertain significance. Last evaluated: 2025-04-10. Review status: criteria provided, single submitter. Criteria: GeneDx Variant Classification Process June 2021. Collection method: clinical testing. Allele origin: germline.
Comment: In silico analysis supports that this missense variant has a deleterious effect on protein structure/function; Has not been previously published as pathogenic or benign to our knowledge

Labcorp Genetics (formerly Invitae), Labcorp
Classification: Uncertain significance. Last evaluated: 2022-09-01. Review status: criteria provided, single submitter. Criteria: Invitae Variant Classification Sherloc (09022015). Collection method: clinical testing. Allele origin: germline.
Comment: This sequence change replaces arginine, which is basic and polar, with tryptophan, which is neutral and slightly polar, at codon 293 of the PDZD7 protein (p.Arg293Trp). This variant is present in population databases (rs753608704, gnomAD 0.01%). This variant has not been reported in the literature in individuals affected with PDZD7-related conditions. ClinVar contains an entry for this variant (Variation ID: 1374219). Algorithms developed to predict the effect of missense changes on protein structure and function are either unavailable or do not agree on the potential impact of this missense change (SIFT: "Deleterious"; PolyPhen-2: "Not Available"; Align-GVGD: "Class C0"). In summary, the available evidence is currently insufficient to determine the role of this variant in disease. Therefore, it has been classified as a Variant of Uncertain Significance.

Blueprint Genetics
Classification: Uncertain significance. Last evaluated: 2021-06-29. Review status: criteria provided, single submitter. Criteria: ACMG Guidelines, 2015. Collection method: clinical testing. Allele origin: germline.

NM_001195263.2(PDZD7):c.877C>T (p.Arg293Trp)

Gene: PDZD7 (PDZ domain containing 7; minus strand). Cytogenetic location: 10q24.31.
Variant type: single nucleotide variant.
Coding change: c.877C>T on transcript NM_001195263.2 (MANE Select); coding-DNA position 877, C replaced by T.
Protein change: p.Arg293Trp; replaces arginine 293 with tryptophan.
Molecular consequence: missense variant.
Genome position (GRCh38, 1-based): chr10:101,020,669, G>A on the plus strand (C>T on the coding strand, the complement: PDZD7 is on the minus strand). VCF-style: chr10-101020669-G-A. GRCh37 (hg19) VCF-style: chr10-102780426-G-A.
Other names: c.877C>T, p.Arg293Trp (NM_001351044.2, NM_024895.5); c.877C>T (NM_001195263.1); short protein forms R293W.
Identifiers: ClinVar variation 1374219 (VCV001374219.5), dbSNP rs753608704, ClinGen allele CA5654211.